The following is an entry in ClinVar:

ClinVar aggregate classification (germline): Conflicting classifications of pathogenicity. Review status: criteria provided, conflicting classifications (1 of 4 stars). 3 submissions from 3 submitters: Uncertain significance (2); Likely benign (1). Last evaluated 2024-05-26.

Conditions:
Hereditary nonpolyposis colorectal neoplasms. Identifiers: MedGen C0009405, MeSH D003123.
Hereditary cancer-predisposing syndrome. Also called: Hereditary Cancer Syndrome; Tumor predisposition; Hereditary neoplastic syndrome; Neoplastic Syndromes, Hereditary. Identifiers: Orphanet 140162, MedGen C0027672, MeSH D009386, MONDO:0015356.

Allele frequency attached by ClinVar (database versions not stated): TOPMed below 0.00001.
gnomAD v4.1: 1 of 1,614,162 alleles (0.000062%); highest among the groups gnomAD compares: Non-Finnish European, 0.000085%; no homozygotes.

Submissions (3):

Ambry Genetics
Classification: Likely benign for Hereditary cancer-predisposing syndrome. Last evaluated: 2024-05-26. Review status: criteria provided, single submitter. Criteria: Ambry Variant Classification Scheme 2023. Collection method: clinical testing. Allele origin: germline.

Color Diagnostics, LLC DBA Color Health
Classification: Uncertain significance for Hereditary cancer-predisposing syndrome. Last evaluated: 2024-03-06. Review status: criteria provided, single submitter. Criteria: ACMG Guidelines, 2015. Collection method: clinical testing. Allele origin: germline.
Comment: This missense variant replaces glutamine with arginine at codon 555 of the PMS2 protein. Computational prediction suggests that this variant may not impact protein structure and function (internally defined REVEL score threshold <= 0.5, PMID: 27666373). To our knowledge, functional studies have not been reported for this variant. This variant has not been reported in individuals affected with hereditary cancer in the literature. This variant has not been identified in the general population by the Genome Aggregation Database (gnomAD). The available evidence is insufficient to determine the role of this variant in disease conclusively. Therefore, this variant is classified as a Variant of Uncertain Significance.

Labcorp Genetics (formerly Invitae), Labcorp
Classification: Uncertain significance for Hereditary nonpolyposis colorectal neoplasms. Last evaluated: 2022-04-20. Review status: criteria provided, single submitter. Criteria: Invitae Variant Classification Sherloc (09022015). Collection method: clinical testing. Allele origin: germline.
Comment: This sequence change replaces glutamine, which is neutral and polar, with arginine, which is basic and polar, at codon 555 of the PMS2 protein (p.Gln555Arg). This variant is not present in population databases (gnomAD no frequency). This variant has not been reported in the literature in individuals affected with PMS2-related conditions. Advanced modeling of protein sequence and biophysical properties (such as structural, functional, and spatial information, amino acid conservation, physicochemical variation, residue mobility, and thermodynamic stability) performed at Invitae indicates that this missense variant is not expected to disrupt PMS2 protein function. In summary, the available evidence is currently insufficient to determine the role of this variant in disease. Therefore, it has been classified as a Variant of Uncertain Significance.

NM_000535.7(PMS2):c.1664A>G (p.Gln555Arg)

Gene: PMS2 (PMS1 homolog 2, mismatch repair system component; minus strand). Cytogenetic location: 7p22.1.
Variant type: single nucleotide variant.
Coding change: c.1664A>G on transcript NM_000535.7 (MANE Select); coding-DNA position 1664, A replaced by G.
Protein change: p.Gln555Arg; replaces glutamine 555 with arginine.
Molecular consequence: missense variant. On other transcripts: non-coding transcript variant (1).
Genome position (GRCh38, 1-based): chr7:5,987,101, T>C on the plus strand (A>G on the coding strand, the complement: PMS2 is on the minus strand). VCF-style: chr7-5987101-T-C. GRCh37 (hg19) VCF-style: chr7-6026732-T-C.
Other names: c.731A>G, p.Gln244Arg (NM_001322012.2, NM_001322011.2); c.1091A>G, p.Gln364Arg (NM_001322013.2); c.1664A>G, p.Gln555Arg (NM_001322014.2); c.1355A>G, p.Gln452Arg (NM_001322015.2); c.1259A>G, p.Gln420Arg (NM_001322003.2, NM_001322004.2, NM_001322005.2 and 1 more transcripts); c.1508A>G, p.Gln503Arg (NM_001322006.2); c.1346A>G, p.Gln449Arg (NM_001322007.2, NM_001322008.2); c.1103A>G, p.Gln368Arg (NM_001322010.2); short protein forms Q368R, Q364R, Q449R, Q420R, Q452R, Q503R, Q555R, Q244R.
Identifiers: ClinVar variation 1414955 (VCV001414955.12), dbSNP rs745836140, ClinGen allele CA366741310.